The following is an entry in ClinVar:

NM_016123.4(IRAK4):c.290C>T (p.Ala97Val)

Gene: IRAK4 (interleukin 1 receptor associated kinase 4; plus strand). Cytogenetic location: 12q12.
Variant type: single nucleotide variant.
Coding change: c.290C>T on transcript NM_016123.4 (MANE Select); coding-DNA position 290, C replaced by T.
Protein change: p.Ala97Val; replaces alanine 97 with valine.
Molecular consequence: missense variant. On other transcripts: 5 prime UTR variant (4), intron variant (6).
Genome position (GRCh38, 1-based): chr12:43,771,348, C>T. VCF-style: chr12-43771348-C-T. GRCh37 (hg19) VCF-style: chr12-44165151-C-T.
Other names: c.290C>T, p.Ala97Val (NM_001114182.3, NM_001351345.2); c.-83C>T (NM_001351339.2, NM_001351340.2, NM_001351341.2 and 1 more transcripts); c.-65-832C>T (NM_001351338.2, NM_001145256.2, NM_001145257.2 and 1 more transcripts); c.-216-832C>T (NM_001351343.2, NM_001351344.2); short protein forms A97V.
Identifiers: ClinVar variation 533521 (VCV000533521.8), dbSNP rs764597369, ClinGen allele CA6522319.

ClinVar aggregate classification (germline): Uncertain significance (1 of 4 stars; one submission).

Conditions:
Immunodeficiency 67. Also called: Immunodeficiency due to interleukin-1 receptor-associated kinase-4 deficiency. Identifiers: Orphanet 70592, MedGen C1843256, MONDO:0011888, OMIM 607676.

Allele frequency attached by ClinVar (database versions not stated): gnomAD 0.00001; TOPMed 0.00002; ExAC 0.00003.
gnomAD v4.1: 37 of 1,613,982 alleles (0.0023%); highest among the groups gnomAD compares: Non-Finnish European, 0.0025%; no homozygotes.

Submission:

Labcorp Genetics (formerly Invitae), Labcorp
Classification: Uncertain significance for Immunodeficiency 67. Last evaluated: 2022-11-22. Review status: criteria provided, single submitter. Criteria: Invitae Variant Classification Sherloc (09022015). Collection method: clinical testing. Allele origin: germline.
Comment: In summary, the available evidence is currently insufficient to determine the role of this variant in disease. Therefore, it has been classified as a Variant of Uncertain Significance. Algorithms developed to predict the effect of sequence changes on RNA splicing suggest that this variant may disrupt the consensus splice site. Advanced modeling of protein sequence and biophysical properties (such as structural, functional, and spatial information, amino acid conservation, physicochemical variation, residue mobility, and thermodynamic stability) performed at Invitae indicates that this missense variant is not expected to disrupt IRAK4 protein function. ClinVar contains an entry for this variant (Variation ID: 533521). This variant has not been reported in the literature in individuals affected with IRAK4-related conditions. This variant is present in population databases (rs764597369, gnomAD 0.004%). This sequence change replaces alanine, which is neutral and non-polar, with valine, which is neutral and non-polar, at codon 97 of the IRAK4 protein (p.Ala97Val).